The following is an entry in ClinVar:

NM_001114753.3(ENG):c.23T>C (p.Leu8Pro)

Gene: ENG (endoglin; minus strand). Cytogenetic location: 9q34.11.
Variant type: single nucleotide variant.
Coding change: c.23T>C on transcript NM_001114753.3 (MANE Select); coding-DNA position 23, T replaced by C.
Protein change: p.Leu8Pro; replaces leucine 8 with proline.
Molecular consequence: missense variant.
Genome position (GRCh38, 1-based): chr9:127,854,333, A>G on the plus strand (T>C on the coding strand, the complement: ENG is on the minus strand). VCF-style: chr9-127854333-A-G. GRCh37 (hg19) VCF-style: chr9-130616612-A-G.
Other names: p.Leu8Pro; c.23T>C, p.Leu8Pro (NM_000118.4, NM_001406715.1); short protein forms L8P.
Identifiers: ClinVar variation 565357 (VCV000565357.15), dbSNP rs1564466414, ClinGen allele CA374989640.

ClinVar aggregate classification (germline): Pathogenic/Likely pathogenic. Review status: criteria provided, multiple submitters, no conflicts (2 of 4 stars). 4 submissions from 4 submitters: Pathogenic (3); Likely pathogenic (1). Last evaluated 2025-07-03.

Conditions:
ENG-related disorder. Also called: ENG-related condition; ENG-related disorders.
Hereditary hemorrhagic telangiectasia (HHT). Also called: Osler hemorrhagic telangiectasia syndrome; ORW DISEASE; Osler Weber Rendu syndrome; OSLER-RENDU-WEBER DISEASE. Identifiers: Orphanet 774, MedGen C0039445, MONDO:0019180. Disease mechanism: loss of function.
Cardiovascular phenotype. Identifiers: MedGen CN230736.

Submissions (4):

PreventionGenetics, part of Exact Sciences
Classification: Pathogenic for ENG-related condition. Last evaluated: 2025-07-03. Review status: criteria provided, single submitter. Criteria: ACMG Guidelines, 2015. Collection method: clinical testing. Allele origin: germline.
Comment: The ENG c.23T>C variant is predicted to result in the amino acid substitution p.Leu8Pro. This variant was reported in individuals with hereditary hemorrhagic telangiectasia (Lesca et al. 2004. PubMed ID: 15024723; McDonald et al. 2009. PubMed ID: 19767588; Table S1, McDonald et al. 2020. PubMed ID: 32300199). In addition, we have seen this variant in patients with hereditary hemorrhagic telangiectasia at PreventionGenetics (internal data). This variant has not been reported in a large population database (gnomAD), indicating this variant is rare. This variant is interpreted as pathogenic.

Labcorp Genetics (formerly Invitae), Labcorp
Classification: Pathogenic for Hereditary hemorrhagic telangiectasia. Last evaluated: 2025-05-05. Review status: criteria provided, single submitter. Criteria: Invitae Variant Classification Sherloc (09022015). Collection method: clinical testing. Allele origin: germline.
Comment: This sequence change replaces leucine, which is neutral and non-polar, with proline, which is neutral and non-polar, at codon 8 of the ENG protein (p.Leu8Pro). This variant is not present in population databases (gnomAD no frequency). This missense change has been observed in individuals with hereditary hemorrhagic telangiectasia (PMID: 15024723, 19767588). It has also been observed to segregate with disease in related individuals. ClinVar contains an entry for this variant (Variation ID: 565357). Invitae Evidence Modeling of protein sequence and biophysical properties (such as structural, functional, and spatial information, amino acid conservation, physicochemical variation, residue mobility, and thermodynamic stability) indicates that this missense variant is not expected to disrupt ENG protein function with a negative predictive value of 95%. For these reasons, this variant has been classified as Pathogenic.

Mayo Clinic Laboratories, Mayo Clinic
Classification: Likely pathogenic. Last evaluated: 2024-07-25. Review status: criteria provided, single submitter. Criteria: ACMG Guidelines, 2015. Collection method: clinical testing. Allele origin: germline. Observed: 2 variant alleles.
Comment: BP4_strong, PP1_strong, PP4, PM2, PS4_moderate

Ambry Genetics
Classification: Pathogenic for Cardiovascular phenotype. Last evaluated: 2022-11-22. Review status: criteria provided, single submitter. Criteria: Ambry Variant Classification Scheme 2023. Collection method: clinical testing. Allele origin: germline.
Comment: The p.L8P pathogenic mutation (also known as c.23T>C), located in coding exon 1 of the ENG gene, results from a T to C substitution at nucleotide position 23. The leucine at codon 8 is replaced by proline, an amino acid with similar properties. This mutation has been reported in multiple individuals with hereditary hemorrhagic telangiectasia (HHT) and has shown strong segregation with disease (Lesca G et al. Hum. Mutat., 2004 Apr;23:289-99; McDonald J et al. J Mol Diagn, 2009 Nov;11:569-75). This variant is considered to be rare based on population cohorts in the Genome Aggregation Database (gnomAD). Based on the supporting evidence, this alteration is interpreted as a disease-causing mutation.

Literature cited by the submitters: PubMed 15024723 (cited by 3 submitters); PubMed 19767588 (cited by 3 submitters); PubMed 32300199 (cited by Mayo Clinic Laboratories, Mayo Clinic).